The following is an entry in ClinVar:

ClinVar aggregate classification (germline): Uncertain significance. Review status: criteria provided, multiple submitters, no conflicts (2 of 4 stars). 2 submissions from 2 submitters: Uncertain significance (2). Last evaluated 2025-11-17.

Conditions:
Hereditary cancer-predisposing syndrome. Also called: Tumor predisposition; Hereditary Cancer Syndrome; Neoplastic Syndromes, Hereditary; Hereditary neoplastic syndrome. Identifiers: Orphanet 140162, MedGen C0027672, MeSH D009386, MONDO:0015356.
Neurofibromatosis, type 2 (SWNV). Also called: BILATERAL ACOUSTIC NEUROFIBROMATOSIS; SCHWANNOMATOSIS, VESTIBULAR; NF2-Related Schwannomatosis. Identifiers: Orphanet 637, MedGen C0027832, MONDO:0007039, OMIM 101000. Disease mechanism: loss of function.

Submissions (2):

Labcorp Genetics (formerly Invitae), Labcorp
Classification: Uncertain significance for Neurofibromatosis, type 2. Last evaluated: 2025-11-17. Review status: criteria provided, single submitter. Criteria: Invitae Variant Classification Sherloc (09022015). Collection method: clinical testing. Allele origin: germline.
Comment: This sequence change replaces alanine, which is neutral and non-polar, with threonine, which is neutral and polar, at codon 448 of the NF2 protein (p.Ala448Thr). This variant is not present in population databases (gnomAD no frequency). This variant has not been reported in the literature in individuals affected with NF2-related conditions. ClinVar contains an entry for this variant (Variation ID: 965877). An algorithm developed to predict the effect of missense changes on protein structure and function (PolyPhen-2) suggests that this variant is likely to be tolerated. In summary, the available evidence is currently insufficient to determine the role of this variant in disease. Therefore, it has been classified as a Variant of Uncertain Significance.

Ambry Genetics
Classification: Uncertain significance for Hereditary cancer-predisposing syndrome. Last evaluated: 2024-08-17. Review status: criteria provided, single submitter. Criteria: Ambry Variant Classification Scheme 2023. Collection method: clinical testing. Allele origin: germline.
Comment: The p.A448T variant (also known as c.1342G>A), located in coding exon 13 of the NF2 gene, results from a G to A substitution at nucleotide position 1342. The alanine at codon 448 is replaced by threonine, an amino acid with similar properties. This amino acid position is not well conserved in available vertebrate species. In addition, this alteration is predicted to be tolerated by in silico analysis. Since supporting evidence is limited at this time, the clinical significance of this alteration remains unclear.

NM_000268.4(NF2):c.1342G>A (p.Ala448Thr)

Gene: NF2 (NF2, moesin-ezrin-radixin like (MERLIN) tumor suppressor; plus strand). Cytogenetic location: 22q12.2.
Variant type: single nucleotide variant.
Coding change: c.1342G>A on transcript NM_000268.4 (MANE Select); coding-DNA position 1342, G replaced by A.
Protein change: p.Ala448Thr; replaces alanine 448 with threonine.
Molecular consequence: missense variant. On other transcripts: non-coding transcript variant (1), intron variant (1).
Genome position (GRCh38, 1-based): chr22:29,674,837, G>A. VCF-style: chr22-29674837-G-A. GRCh37 (hg19) VCF-style: chr22-30070826-G-A.
Other names: c.1342G>A, p.Ala448Thr (NM_016418.5, NM_181825.3, NM_181832.3); c.1216G>A, p.Ala406Thr (NM_181828.3); c.1219G>A, p.Ala407Thr (NM_181829.3); c.1093G>A, p.Ala365Thr (NM_181830.3, NM_181831.3); c.448-19915G>A (NM_181833.3); short protein forms A406T, A448T, A365T, A407T.
Identifiers: ClinVar variation 965877 (VCV000965877.13), dbSNP rs2066911470, ClinGen allele CA411148811.
Genomic context (GRCh38, chr22:29,674,837, plus strand): 5'-TGTCTTTTCCTGCTACCTGCCCTCTTCTGTGAAGCTGACATCTCATCCTTTCCTTGCAGG[G>A]CCAAAGAGGCAGATCAGCTGAAGCAGGACCTGCAGGAAGCACGCGAGGCGGAGCGAAGAG-3'
Protein context (NP_000259.1, residues 438-458): LKMAEESERR[Ala448Thr]KEADQLKQDL